The following is an entry in ClinVar:

ClinVar aggregate classification (germline): Conflicting classifications of pathogenicity. Review status: criteria provided, conflicting classifications (1 of 4 stars). 2 submissions from 2 submitters: Uncertain significance (1); Likely benign (1). Last evaluated 2023-03-23.

Conditions:
Hereditary cancer-predisposing syndrome. Also called: Tumor predisposition; Hereditary Cancer Syndrome; Neoplastic Syndromes, Hereditary; Hereditary neoplastic syndrome. Identifiers: Orphanet 140162, MedGen C0027672, MeSH D009386, MONDO:0015356.

Submissions (2):

University of Washington Department of Laboratory Medicine, University of Washington
Classification: Likely benign for Hereditary cancer-predisposing syndrome. Last evaluated: 2023-03-23. Review status: criteria provided, single submitter. Criteria: Dines et al. (Genet Med. 2020). Collection method: curation. Allele origin: germline.
Comment: Missense variant in a coldspot region where missense variants are very unlikely to be pathogenic (PMID:31911673).

BRCA1 coldspot (exon 11 using historical exon numbering). Reclassification based on statistical prior probability

Color Diagnostics, LLC DBA Color Health
Classification: Uncertain significance for Hereditary cancer-predisposing syndrome. Last evaluated: 2021-02-26. Review status: criteria provided, single submitter. Criteria: ACMG Guidelines, 2015. Collection method: clinical testing. Allele origin: germline.
Comment: This missense variant replaces leucine with serine at codon 283 of the BRCA1 protein. Computational prediction suggests that this variant may have deleterious impact on protein structure and function (internally defined REVEL score threshold >= 0.7, PMID: 27666373). To our knowledge, functional studies have not been reported for this variant. This variant has not been reported in individuals affected with hereditary cancer in the literature. This variant has not been identified in the general population by the Genome Aggregation Database (gnomAD). The available evidence is insufficient to determine the role of this variant in disease conclusively. Therefore, this variant is classified as a Variant of Uncertain Significance.

NM_007294.4(BRCA1):c.848T>C (p.Leu283Ser)

Gene: BRCA1 (BRCA1 DNA repair associated; minus strand). Cytogenetic location: 17q21.31.
Variant type: single nucleotide variant.
Coding change: c.848T>C on transcript NM_007294.4 (MANE Select); coding-DNA position 848, T replaced by C.
Protein change: p.Leu283Ser; replaces leucine 283 with serine.
Molecular consequence: missense variant. On other transcripts: intron variant (137), 5 prime UTR variant (2).
Genome position (GRCh38, 1-based): chr17:43,094,683, A>G on the plus strand (T>C on the coding strand, the complement: BRCA1 is on the minus strand). VCF-style: chr17-43094683-A-G. GRCh37 (hg19) VCF-style: chr17-41246700-A-G.
Other names: c.787+61T>C (NM_001407971.1, NM_001407981.1, NM_007298.4 and 19 more transcripts); c.790+58T>C (NM_001408406.1); c.646+61T>C (NM_001408456.1, NM_001408410.1, NM_001408458.1 and 11 more transcripts); c.643+61T>C (NM_001408465.1, NM_001408463.1, NM_001408462.1 and 3 more transcripts); c.577+61T>C (NM_001408482.1, NM_001408484.1, NM_001408478.1 and 9 more transcripts); c.520+61T>C (NM_001408504.1, NM_001408503.1, NM_001408505.1); c.523+61T>C (NM_001408499.1, NM_001408498.1, NM_001408501.1 and 3 more transcripts); c.670+1163T>C (NM_001408422.1, NM_001408418.1, NM_001408423.1 and 2 more transcripts); and 40 more; short protein forms L236S, L283S, L172S, L194S, L195S, L212S, L213S, L242S.
Identifiers: ClinVar variation 1332672 (VCV001332672.5), dbSNP rs273902792, ClinGen allele CA10600388.